The following is an entry in ClinVar:

ClinVar aggregate classification (germline): Pathogenic (1 of 4 stars; one submission).

Submission:

Labcorp Genetics (formerly Invitae), Labcorp
Classification: Pathogenic. Last evaluated: 2022-09-28. Review status: criteria provided, single submitter. Criteria: Invitae Variant Classification Sherloc (09022015). Collection method: clinical testing. Allele origin: germline.
Comment: This sequence change creates a premature translational stop signal (p.Ile1123*) in the ABCB11 gene. It is expected to result in an absent or disrupted protein product. Loss-of-function variants in ABCB11 are known to be pathogenic (PMID: 18395098, 20232290). This variant is not present in population databases (gnomAD no frequency). This variant has not been reported in the literature in individuals affected with ABCB11-related conditions. For these reasons, this variant has been classified as Pathogenic.

Literature cited by the submitters: PubMed 18395098; PubMed 20232290.

NM_003742.4(ABCB11):c.3363_3391del (p.Ser1122_Ile1123insTer)

Gene: ABCB11 (ATP binding cassette subfamily B member 11; minus strand). Cytogenetic location: 2q31.1.
Variant type: Deletion.
Coding change: c.3363_3391del on transcript NM_003742.4 (MANE Select); coding-DNA positions 3363 to 3391, 29 bases deleted (TAGCATTCAGCTGTTGGAACGTTTCTATG).
Protein change: p.Ser1122_Ile1123insTer.
Molecular consequence: frameshift variant.
Genome position (GRCh38, 1-based): chr2:168,930,685-168,930,713, CATAGAAACGTTCCAACAGCTGAATGCTA deleted on the plus strand (TAGCATTCAGCTGTTGGAACGTTTCTATG on the coding strand, the reverse complement: ABCB11 is on the minus strand). VCF-style (leftmost placement, unchanged base first): chr2-168930684-TCATAGAAACGTTCCAACAGCTGAATGCTA-T. GRCh37 (hg19) VCF-style: chr2-169787194-TCATAGAAACGTTCCAACAGCTGAATGCTA-T.
Identifiers: ClinVar variation 2807049 (VCV002807049.3), dbSNP rs2545249298, ClinGen allele CA2739271536.